The following is an entry in ClinVar:

NM_007294.4(BRCA1):c.1880T>C (p.Val627Ala)

Gene: BRCA1 (BRCA1 DNA repair associated; minus strand). Cytogenetic location: 17q21.31.
Variant type: single nucleotide variant.
Coding change: c.1880T>C on transcript NM_007294.4 (MANE Select); coding-DNA position 1880, T replaced by C.
Protein change: p.Val627Ala; replaces valine 627 with alanine.
Molecular consequence: missense variant. On other transcripts: intron variant (137).
Genome position (GRCh38, 1-based): chr17:43,093,651, A>G on the plus strand (T>C on the coding strand, the complement: BRCA1 is on the minus strand). VCF-style: chr17-43093651-A-G. GRCh37 (hg19) VCF-style: chr17-41245668-A-G.
Other names: c.1757T>C, p.Val586Ala (NM_001407669.1, NM_001407674.1, NM_001407675.1 and 19 more transcripts); c.1754T>C, p.Val585Ala (NM_001407670.1, NM_001407671.1, NM_001407672.1 and 11 more transcripts); c.1880T>C, p.Val627Ala (NM_001407684.1, NM_001407581.1, NM_001407582.1 and 30 more transcripts); c.1667T>C, p.Val556Ala (NM_001407571.1, NM_001407853.1, NM_001407894.1 and 9 more transcripts); c.1739T>C, p.Val580Ala (NM_001407692.1, NM_001407694.1, NM_001407695.1 and 29 more transcripts); c.1877T>C, p.Val626Ala (NM_001407587.1, NM_001407590.1, NM_001407591.1 and 22 more transcripts); c.1736T>C, p.Val579Ala (NM_001407740.1, NM_001407741.1, NM_001407742.1 and 20 more transcripts); c.1871T>C, p.Val624Ala (NM_001407646.1, NM_001407647.1); and 40 more; short protein forms V459A, V500A, V557A, V626A, V515A, V538A, V586A, V601A.
Identifiers: ClinVar variation 2585844 (VCV002585844.2), dbSNP rs770002293, ClinGen allele CA10598260.

ClinVar aggregate classification (germline): Uncertain significance (1 of 4 stars; one submission).

Conditions:
Hereditary cancer-predisposing syndrome. Also called: Hereditary neoplastic syndrome; Tumor predisposition; Hereditary Cancer Syndrome; Neoplastic Syndromes, Hereditary. Identifiers: Orphanet 140162, MedGen C0027672, MeSH D009386, MONDO:0015356.

Submission:

Ambry Genetics
Classification: Uncertain significance for Hereditary cancer-predisposing syndrome. Last evaluated: 2023-09-05. Review status: criteria provided, single submitter. Criteria: Ambry Variant Classification Scheme 2023. Collection method: clinical testing. Allele origin: germline.
Comment: The p.V627A variant (also known as c.1880T>C), located in coding exon 9 of the BRCA1 gene, results from a T to C substitution at nucleotide position 1880. The valine at codon 627 is replaced by alanine, an amino acid with similar properties. This amino acid position is well conserved in available vertebrate species. In addition, the in silico prediction for this alteration is inconclusive. Since supporting evidence is limited at this time, the clinical significance of this alteration remains unclear.